The following is an entry in ClinVar:

ClinVar aggregate classification (germline): Uncertain significance (1 of 4 stars; one submission).

Conditions:
Myopathy, proximal, and ophthalmoplegia (CMYO6). Also called: INCLUSION BODY MYOPATHY 3, AUTOSOMAL DOMINANT; MYOPATHY WITH CONGENITAL JOINT CONTRACTURES, OPHTHALMOPLEGIA, AND RIMMED VACUOLES; CONGENITAL MYOPATHY 6 WITH OPHTHALMOPLEGIA. Identifiers: Orphanet 363677, Orphanet 79091, MedGen C1854106, MONDO:0011577, OMIM 605637.

Allele frequency attached by ClinVar (database versions not stated): TOPMed 0.00001.

Submission:

Labcorp Genetics (formerly Invitae), Labcorp
Classification: Uncertain significance for Myopathy, proximal, and ophthalmoplegia. Last evaluated: 2022-03-08. Review status: criteria provided, single submitter. Criteria: Invitae Variant Classification Sherloc (09022015). Collection method: clinical testing. Allele origin: germline.
Comment: In summary, the available evidence is currently insufficient to determine the role of this variant in disease. Therefore, it has been classified as a Variant of Uncertain Significance. Algorithms developed to predict the effect of missense changes on protein structure and function are either unavailable or do not agree on the potential impact of this missense change (SIFT: "Deleterious"; PolyPhen-2: "Possibly Damaging"; Align-GVGD: "Class C0"). This variant has not been reported in the literature in individuals affected with MYH2-related conditions. This variant is not present in population databases (gnomAD no frequency). This sequence change replaces aspartic acid, which is acidic and polar, with asparagine, which is neutral and polar, at codon 1298 of the MYH2 protein (p.Asp1298Asn).

NM_017534.6(MYH2):c.3892G>A (p.Asp1298Asn)

Genes: MYH2 (myosin heavy chain 2; minus strand), MYHAS (myosin heavy chain gene cluster antisense RNA; plus strand). Cytogenetic location: 17p13.1.
Variant type: single nucleotide variant.
Coding change: c.3892G>A on transcript NM_017534.6 (MANE Select); coding-DNA position 3892, G replaced by A.
Protein change: p.Asp1298Asn; replaces aspartic acid 1298 with asparagine.
Molecular consequence: missense variant.
Genome position (GRCh38, 1-based): chr17:10,527,036, C>T on the plus strand (G>A on the coding strand, the complement: MYH2 is on the minus strand). VCF-style: chr17-10527036-C-T. GRCh37 (hg19) VCF-style: chr17-10430353-C-T.
Other names: c.3892G>A, p.Asp1298Asn (NM_001100112.2); short protein forms D1298N.
Identifiers: ClinVar variation 1345507 (VCV001345507.6), dbSNP rs1046313955, ClinGen allele CA398129448.